The following is an entry in ClinVar:

NM_000443.4(ABCB4):c.2478+6T>C

Gene: ABCB4 (ATP binding cassette subfamily B member 4; minus strand). Cytogenetic location: 7q21.12.
Variant type: single nucleotide variant.
Coding change: c.2478+6T>C on transcript NM_000443.4 (MANE Select); 6 bases into the intron after coding-DNA position 2478, T replaced by C.
Molecular consequence: intron variant.
Genome position (GRCh38, 1-based): chr7:87,418,531, A>G on the plus strand (T>C on the coding strand, the complement: ABCB4 is on the minus strand). VCF-style: chr7-87418531-A-G. GRCh37 (hg19) VCF-style: chr7-87047847-A-G.
Other names: c.2478+6T>C (NM_018850.3, NM_018849.3).
Identifiers: ClinVar variation 4846351 (VCV004846351.1).

ClinVar aggregate classification (germline): Uncertain significance (1 of 4 stars; one submission).

Conditions:
Familial intrahepatic cholestasis. Identifiers: Orphanet 284385, MedGen CN296401, MONDO:0017290.

Submission:

Genomenon, Inc
Classification: Uncertain significance for Familial intrahepatic cholestasis. Last evaluated: 2026-04-14. Review status: criteria provided, single submitter. Criteria: Genomenon Sequence Variant Interpretation Standards - Updated. Collection method: curation. Allele origin: germline. Affected: yes.
Comment: ABCB4 c.2478+6T>C is an intronic variant located in the donor splice region of intron 20. This variant has been observed in at least one proband with an ABCB4-related disorder (PMID:38610052). It is absent or not present at a significant frequency in gnomAD. In silico models predict that this variant is possibly or probably damaging. In conclusion, we classify ABCB4 c.2478+6T>C as a variant of uncertain significance.

Literature cited by the submitters: PubMed 38610052.